The following is an entry in ClinVar:

ClinVar aggregate classification (germline): Pathogenic (1 of 4 stars; one submission).

Conditions:
Bardet-Biedl syndrome (BBS). Identifiers: Orphanet 110, MedGen C0752166, MONDO:0015229.

Submission:

Labcorp Genetics (formerly Invitae), Labcorp
Classification: Pathogenic for Bardet-Biedl syndrome. Last evaluated: 2021-07-29. Review status: criteria provided, single submitter. Criteria: Invitae Variant Classification Sherloc (09022015). Collection method: clinical testing. Allele origin: germline.
Comment: For these reasons, this variant has been classified as Pathogenic. This variant disrupts a region of the BBS10 protein in which other variant(s) (p.Asn364Thrfs*5) have been determined to be pathogenic (Invitae). This suggests that this is a clinically significant region of the protein, and that variants that disrupt it are likely to be disease-causing. This variant has not been reported in the literature in individuals affected with BBS10-related conditions. This variant is not present in population databases (ExAC no frequency). This sequence change creates a premature translational stop signal (p.Cys360*) in the BBS10 gene. While this is not anticipated to result in nonsense mediated decay, it is expected to disrupt the last 364 amino acid(s) of the BBS10 protein.

NM_024685.4(BBS10):c.1080_1081del (p.Cys360_Glu361delinsTer)

Gene: BBS10 (Bardet-Biedl syndrome 10; minus strand). Cytogenetic location: 12q21.2.
Variant type: Microsatellite.
Coding change: c.1080_1081del on transcript NM_024685.4 (MANE Select); coding-DNA positions 1080 to 1081, 2 bases deleted (TG; older notation c.1080_1081delTG).
Protein change: p.Cys360_Glu361delinsTer.
Molecular consequence: nonsense.
Genome position (GRCh38, 1-based): chr12:76,346,904-76,346,905, CA deleted on the plus strand (TG on the coding strand, the reverse complement: BBS10 is on the minus strand); deleting any 2 consecutive bases within chr12:76,346,904-76,346,908 gives the same sequence; the c. name uses the placement nearest the transcript's 3' end. VCF-style (leftmost placement, unchanged base first): chr12-76346903-TCA-T. GRCh37 (hg19) VCF-style: chr12-76740683-TCA-T.
Identifiers: ClinVar variation 1401301 (VCV001401301.6), dbSNP rs2136090624, ClinGen allele CA2575230728.